The following is an entry in ClinVar:

NM_020246.4(SLC12A9):c.454A>G (p.Thr152Ala)

Gene: SLC12A9 (solute carrier family 12 member 9; plus strand). Cytogenetic location: 7q22.1.
Variant type: single nucleotide variant.
Coding change: c.454A>G on transcript NM_020246.4 (MANE Select); coding-DNA position 454, A replaced by G.
Protein change: p.Thr152Ala; replaces threonine 152 with alanine.
Molecular consequence: missense variant.
Genome position (GRCh38, 1-based): chr7:100,856,873, A>G. VCF-style: chr7-100856873-A-G. GRCh37 (hg19) VCF-style: chr7-100454495-A-G.
Other names: c.454A>G, p.Thr152Ala (NM_001267812.2, NM_001363493.2); c.187A>G, p.Thr63Ala (NM_001267814.2); c.25A>G, p.Thr9Ala (NM_001363494.1); c.[454A>G] (NM_001267812.2); short protein forms T63A, T9A, T152A.
Identifiers: ClinVar variation 3731275 (VCV003731275.1).

ClinVar aggregate classification (germline): Uncertain significance (0 of 4 stars; one submission).

Submission:

Institute of Human Genetics, Cologne University
Classification: Uncertain significance. Review status: no assertion criteria provided. Collection method: clinical testing. Allele origin: biparental. Observed: 1 variant allele, 1 homozygote.
Comment: “candidate gene”: the data situation is still too limited and the clinical significance of the variant is completely unclear. ACMG criteria can not be applied since there is no convincing disease association at the moment. But this variant was found homozygous, Carrier-frequence in gnomAD is low (1:60.000), but is predicted to be benigne (REVEL score 0,22). A recent paper from 2024 describes biallelic Loss-of-function variants in this gene associated with syndromic developmental delay (Pubmed-ID: 38334070).

Literature cited by the submitters: PubMed 38334070.